The following is an entry in ClinVar:

NM_001267550.2(TTN):c.66778G>A (p.Glu22260Lys)

Genes: TTN (titin; minus strand), TTN-AS1 (TTN antisense RNA 1; plus strand). Cytogenetic location: 2q31.2.
Variant type: single nucleotide variant.
Coding change: c.66778G>A on transcript NM_001267550.2 (MANE Select); coding-DNA position 66778, G replaced by A.
Protein change: p.Glu22260Lys; replaces glutamic acid 22260 with lysine.
Molecular consequence: missense variant.
Genome position (GRCh38, 1-based): chr2:178,580,601, C>T on the plus strand (G>A on the coding strand, the complement: TTN is on the minus strand). VCF-style: chr2-178580601-C-T. GRCh37 (hg19) VCF-style: chr2-179445328-C-T.
Other names: c.61855G>A, p.Glu20619Lys (NM_001256850.1); c.39583G>A, p.Glu13195Lys (NM_003319.4); c.39958G>A, p.Glu13320Lys (NM_133432.3); c.40159G>A, p.Glu13387Lys (NM_133437.4); c.59074G>A, p.Glu19692Lys (NM_133378.4); short protein forms E19692K, E22260K, E13387K, E13320K, E13195K, E20619K.
Identifiers: ClinVar variation 165884 (VCV000165884.5), dbSNP rs553988103, ClinGen allele CA178583.

ClinVar aggregate classification (germline): Uncertain significance (1 of 4 stars; one submission).

Allele frequency attached by ClinVar (database versions not stated): TOPMed 0.00003; 1000 Genomes Project 30x 0.00016; 1000 Genomes Project 0.00020.
gnomAD v4.1: 6 of 1,605,776 alleles (0.00037%); highest among the groups gnomAD compares: East Asian, 0.009%; no homozygotes.

Submission:

Laboratory for Molecular Medicine, Mass General Brigham Personalized Medicine
Classification: Uncertain significance. Last evaluated: 2014-06-30. Review status: criteria provided, single submitter. Criteria: LMM Criteria. Collection method: clinical testing. Allele origin: germline. Observed: 1 variant allele.
Comment: The Glu19692Lys variant in TTN has not been previously reported in individuals w ith cardiomyopathy or in large population studies. Computational prediction tool s and conservation analysis do not provide strong support for or against an impa ct to the protein. In summary, the clinical significance of the Glu19692Lys vari ant is uncertain.